The following is an entry in ClinVar:

NM_014633.5(CTR9):c.1879C>T (p.Arg627Cys)

Gene: CTR9 (CTR9 component of Paf1/RNA polymerase II complex; plus strand). Cytogenetic location: 11p15.4.
Variant type: single nucleotide variant.
Coding change: c.1879C>T on transcript NM_014633.5 (MANE Select); coding-DNA position 1879, C replaced by T.
Protein change: p.Arg627Cys; replaces arginine 627 with cysteine.
Molecular consequence: missense variant.
Genome position (GRCh38, 1-based): chr11:10,768,080, C>T. VCF-style: chr11-10768080-C-T. GRCh37 (hg19) VCF-style: chr11-10789627-C-T.
Other names: c.1879C>T, p.Arg627Cys (NM_001346279.2); short protein forms R627C.
Identifiers: ClinVar variation 3717145 (VCV003717145.2).

ClinVar aggregate classification (germline): Uncertain significance (1 of 4 stars; one submission).

gnomAD v4.1: 10 of 1,613,866 alleles (0.00062%); highest among the groups gnomAD compares: Non-Finnish European, 0.00085%; no homozygotes.

Submission:

Labcorp Genetics (formerly Invitae), Labcorp
Classification: Uncertain significance. Last evaluated: 2024-02-13. Review status: criteria provided, single submitter. Criteria: Invitae Variant Classification Sherloc (09022015). Collection method: clinical testing. Allele origin: germline.
Comment: This sequence change replaces arginine, which is basic and polar, with cysteine, which is neutral and slightly polar, at codon 627 of the CTR9 protein (p.Arg627Cys). This variant is not present in population databases (gnomAD no frequency). This variant has not been reported in the literature in individuals affected with CTR9-related conditions. An algorithm developed to predict the effect of missense changes on protein structure and function (PolyPhen-2) suggests that this variant is likely to be disruptive. In summary, the available evidence is currently insufficient to determine the role of this variant in disease. Therefore, it has been classified as a Variant of Uncertain Significance.